The following is an entry in ClinVar:

NM_000051.4(ATM):c.6215G>C (p.Gly2072Ala)

Genes: ATM (ATM serine/threonine kinase; plus strand), C11orf65 (chromosome 11 open reading frame 65; minus strand). Cytogenetic location: 11q22.3.
Variant type: single nucleotide variant.
Coding change: c.6215G>C on transcript NM_000051.4 (MANE Select); coding-DNA position 6215, G replaced by C.
Protein change: p.Gly2072Ala; replaces glycine 2072 with alanine.
Molecular consequence: missense variant. On other transcripts: intron variant (2).
Genome position (GRCh38, 1-based): chr11:108,317,389, G>C. VCF-style: chr11-108317389-G-C. GRCh37 (hg19) VCF-style: chr11-108188116-G-C.
Other names: c.6215G>C, p.Gly2072Ala (NM_001351834.2); c.641-8318C>G (NM_001330368.2); c.*39-8318C>G (NM_001351110.2); short protein forms G2072A.
Identifiers: ClinVar variation 572949 (VCV000572949.26), dbSNP rs1183544857, ClinGen allele CA382551098.
Genomic context (GRCh38, chr11:108,317,389, plus strand): 5'-TATCTTTGATTACTTAACTTAAAAACAAAATAACTCCTGTTTAGGCCTTGCAGAATTTGG[G>C]ACTCTGCCATATTCTTTCCGTCTATTTAAAAGGATTGGATTATGAAAATAAAGACTGGTG-3'
Protein context (NP_000042.3, residues 2062-2082): AGIIQALQNL[Gly2072Ala]LCHILSVYLK

ClinVar aggregate classification (germline): Uncertain significance. Review status: criteria provided, multiple submitters, no conflicts (2 of 4 stars). 6 submissions from 6 submitters: Uncertain significance (5). 1 of the submissions does not count toward it. Last evaluated 2025-09-24.

Conditions:
Hereditary cancer-predisposing syndrome. Also called: Hereditary Cancer Syndrome; Neoplastic Syndromes, Hereditary; Tumor predisposition; Hereditary neoplastic syndrome. Identifiers: Orphanet 140162, MedGen C0027672, MeSH D009386, MONDO:0015356.
Familial cancer of breast. Also called: BREAST CANCER, FAMILIAL; Hereditary breast cancer; hereditary breast carcinoma. Identifiers: Orphanet 227535, MedGen C0346153, MONDO:0016419, OMIM 114480. Disease mechanism: loss of function.
Ataxia-telangiectasia syndrome (AT). Also called: Cerebello-oculocutaneous telangiectasia; Immunodeficiency with ataxia telangiectasia; Ataxia-telangiectasia, complementation group E; Ataxia-telangiectasia, complementation group D; AT, COMPLEMENTATION GROUP C; ATAXIA-TELANGIECTASIA, COMPLEMENTATION GROUP A. Identifiers: Orphanet 100, MedGen C0004135, MONDO:0008840, OMIM 208900.

Allele frequency attached by ClinVar (database versions not stated): gnomAD exomes below 0.00001; gnomAD 0.00001; TOPMed 0.00001.
gnomAD v4.1: 6 of 1,611,584 alleles (0.00037%); highest among the groups gnomAD compares: African/African-American, 0.0054%; no homozygotes.

Submissions (6):

Labcorp Genetics (formerly Invitae), Labcorp
Classification: Uncertain significance for Ataxia-telangiectasia syndrome. Last evaluated: 2025-09-24. Review status: criteria provided, single submitter. Criteria: Invitae Variant Classification Sherloc (09022015). Collection method: clinical testing. Allele origin: germline.
Comment: This sequence change replaces glycine, which is neutral and non-polar, with alanine, which is neutral and non-polar, at codon 2072 of the ATM protein (p.Gly2072Ala). This variant is present in population databases (no rsID available, gnomAD 0.007%). This variant has not been reported in the literature in individuals affected with ATM-related conditions. ClinVar contains an entry for this variant (Variation ID: 572949). Invitae Evidence Modeling of protein sequence and biophysical properties (such as structural, functional, and spatial information, amino acid conservation, physicochemical variation, residue mobility, and thermodynamic stability) has been performed for this missense variant. However, the output from this modeling did not meet the statistical confidence thresholds required to predict the impact of this variant on ATM protein function. In summary, the available evidence is currently insufficient to determine the role of this variant in disease. Therefore, it has been classified as a Variant of Uncertain Significance.

Ambry Genetics
Classification: Uncertain significance for Hereditary cancer-predisposing syndrome. Last evaluated: 2025-05-17. Review status: criteria provided, single submitter. Criteria: Ambry Variant Classification Scheme 2023. Collection method: clinical testing. Allele origin: germline.
Comment: The p.G2072A variant (also known as c.6215G>C), located in coding exon 42 of the ATM gene, results from a G to C substitution at nucleotide position 6215. The glycine at codon 2072 is replaced by alanine, an amino acid with similar properties. This alteration was detected in 1/5589 German BRCA1/2-negative probands with breast cancer (Hauke J et al. Cancer Med, 2018 04;7:1349-1358). This amino acid position is highly conserved in available vertebrate species. In addition, the in silico prediction for this alteration is inconclusive. Since supporting evidence is limited at this time, the clinical significance of this alteration remains unclear.

Baylor Genetics
Classification: Uncertain significance for Familial cancer of breast. Last evaluated: 2024-01-03. Review status: criteria provided, single submitter. Criteria: ACMG Guidelines, 2015. Collection method: clinical testing. Allele origin: unknown.

GeneDx
Classification: Uncertain significance. Last evaluated: 2023-11-12. Review status: criteria provided, single submitter. Criteria: GeneDx Variant Classification Process June 2021. Collection method: clinical testing. Allele origin: germline. Affected: yes.
Comment: Not observed at significant frequency in large population cohorts (gnomAD); In silico analysis supports that this missense variant has a deleterious effect on protein structure/function; Observed in an individual with breast cancer (PMID: 29522266); This variant is associated with the following publications: (PMID: 29522266, 23532176)

Color Diagnostics, LLC DBA Color Health
Classification: Uncertain significance for Hereditary cancer-predisposing syndrome. Last evaluated: 2019-05-23. Review status: criteria provided, single submitter. Criteria: ACMG Guidelines, 2015. Collection method: clinical testing. Allele origin: germline.

Natera, Inc.
Classification: Uncertain significance for Ataxia-telangiectasia. Last evaluated: 2021-03-17. Review status: no assertion criteria provided. Collection method: clinical testing. Allele origin: germline. Not counted in ClinVar's aggregate classification.

Literature cited by the submitters: PubMed 29522266 (cited by Ambry Genetics).